The following is an entry in ClinVar:

ClinVar aggregate classification (germline): Uncertain significance (1 of 4 stars; one submission).

Conditions:
Nemaline myopathy 2 (NEM2). Also called: Nemaline myopathy 2, autosomal recessive. Identifiers: MedGen C1850569, MONDO:0009725, OMIM 256030.

Submission:

Labcorp Genetics (formerly Invitae), Labcorp
Classification: Uncertain significance for Nemaline myopathy 2. Last evaluated: 2022-07-19. Review status: criteria provided, single submitter. Criteria: Invitae Variant Classification Sherloc (09022015). Collection method: clinical testing. Allele origin: germline.
Comment: In summary, the available evidence is currently insufficient to determine the role of this variant in disease. Therefore, it has been classified as a Variant of Uncertain Significance. Algorithms developed to predict the effect of missense changes on protein structure and function are either unavailable or do not agree on the potential impact of this missense change (SIFT: "Deleterious"; PolyPhen-2: "Not Available"; Align-GVGD: "Class C0"). ClinVar contains an entry for this variant (Variation ID: 1487975). This variant has not been reported in the literature in individuals affected with NEB-related conditions. This variant is not present in population databases (gnomAD no frequency). This sequence change replaces glycine, which is neutral and non-polar, with valine, which is neutral and non-polar, at codon 8440 of the NEB protein (p.Gly8440Val).

NM_001164508.2(NEB):c.25214G>T (p.Gly8405Val)

Genes: NEB (nebulin; minus strand), RIF1 (replication timing regulatory factor 1; plus strand). Cytogenetic location: 2q23.3.
Variant type: single nucleotide variant.
Coding change: c.25214G>T on transcript NM_001164508.2 (MANE Select); coding-DNA position 25214, G replaced by T.
Protein change: p.Gly8405Val; replaces glycine 8405 with valine.
Molecular consequence: missense variant.
Genome position (GRCh38, 1-based): chr2:151,490,455, C>A on the plus strand (G>T on the coding strand, the complement: NEB is on the minus strand). VCF-style: chr2-151490455-C-A. GRCh37 (hg19) VCF-style: chr2-152346969-C-A.
Other names: c.25214G>T, p.Gly8405Val (NM_001164507.2); c.25319G>T, p.Gly8440Val (NM_001271208.2); c.19646G>T, p.Gly6549Val (NM_004543.5); short protein forms G6549V, G8405V, G8440V.
Identifiers: ClinVar variation 1487975 (VCV001487975.8), dbSNP rs768811942, ClinGen allele CA348771071.